The following is an entry in ClinVar:

ClinVar aggregate classification (germline): Uncertain significance (1 of 4 stars; one submission).

Conditions:
Hereditary cancer-predisposing syndrome. Also called: Hereditary Cancer Syndrome; Hereditary neoplastic syndrome; Neoplastic Syndromes, Hereditary; Tumor predisposition. Identifiers: Orphanet 140162, MedGen C0027672, MeSH D009386, MONDO:0015356.

Submission:

Sema4
Classification: Uncertain significance for Hereditary cancer-predisposing syndrome. Last evaluated: 2022-02-12. Review status: criteria provided, single submitter. Criteria: Sema4 Curation Guidelines. Collection method: curation. Allele origin: germline.
Comment: The NF1 c.4499A>T (p.Y1500F) variant has not been reported in the literature to our knowledge. This variant is not reported in the population database Genome Aggregation Database (PMID: 32461654). This variant has not been reported in ClinVar. Functional studies have not been performed, and in silico predictions of the variant's effect on protein function are inconclusive. The evidence is insufficient to meet ACMG/AMP criteria for classifying the variant as benign or pathogenic. Thus, the clinical significance of this variant is currently uncertain.

NM_001042492.3(NF1):c.4562A>T (p.Tyr1521Phe)

Gene: NF1 (neurofibromin 1; plus strand). Cytogenetic location: 17q11.2.
Variant type: single nucleotide variant.
Coding change: c.4562A>T on transcript NM_001042492.3 (MANE Select); coding-DNA position 4562, A replaced by T.
Protein change: p.Tyr1521Phe; replaces tyrosine 1521 with phenylalanine.
Molecular consequence: missense variant.
Genome position (GRCh38, 1-based): chr17:31,260,500, A>T. VCF-style: chr17-31260500-A-T. GRCh37 (hg19) VCF-style: chr17-29587518-A-T.
Other names: c.4499A>T, p.Tyr1500Phe (NM_000267.4); short protein forms Y1500F, Y1521F.
Identifiers: ClinVar variation 1692338 (VCV001692338.1), dbSNP rs2067665932, ClinGen allele CA398999899.